The following is an entry in ClinVar:

NM_000553.6(WRN):c.355+4G>C

Gene: WRN (WRN RecQ like helicase; plus strand). Cytogenetic location: 8p12.
Variant type: single nucleotide variant.
Coding change: c.355+4G>C on transcript NM_000553.6 (MANE Select); 4 bases into the intron after coding-DNA position 355, G replaced by C.
Molecular consequence: intron variant.
Genome position (GRCh38, 1-based): chr8:31,064,438, G>C. VCF-style: chr8-31064438-G-C. GRCh37 (hg19) VCF-style: chr8-30921954-G-C.
Identifiers: ClinVar variation 238158 (VCV000238158.39), dbSNP rs145764920, ClinGen allele CA4704039.
Genomic context (GRCh38, chr8:31,064,438, plus strand): 5'-TTCAGTTGTGTGTTTCTGAGAGCAAATGTTACTTGTTCCACGTTTCTTCCATGTCAGGTT[G>C]GTATCTCTACATTTCATTTTTATATGGCTGATAATTGTAATATGTCAACTTTATCCCTAT-3'

ClinVar aggregate classification (germline): Conflicting classifications of pathogenicity. Review status: criteria provided, conflicting classifications (1 of 4 stars). 11 submissions from 11 submitters: Uncertain significance (3); Benign (1); Likely benign (5). 2 of the submissions do not count toward it. Last evaluated 2026-02-03.

Conditions:
Werner syndrome (WRN). Identifiers: Orphanet 902, MedGen C0043119, MONDO:0010196, OMIM 277700.

Allele frequency attached by ClinVar (database versions not stated): 1000 Genomes Project 30x 0.00047; 1000 Genomes Project 0.00060; TOPMed 0.00131; ExAC 0.00148; gnomAD 0.00149 and 0.00156; gnomAD exomes 0.00154; ESP Exome Variant Server 0.00185.
gnomAD v4.1: 3,567 of 1,613,832 alleles (0.22%); highest among the groups gnomAD compares: Non-Finnish European, 0.28%; 2 homozygotes.

Submissions (11):

Labcorp Genetics (formerly Invitae), Labcorp
Classification: Benign for Werner syndrome. Last evaluated: 2026-02-03. Review status: criteria provided, single submitter. Criteria: Invitae Variant Classification Sherloc (09022015). Collection method: clinical testing. Allele origin: germline.

Dasa
Classification: Likely benign. Last evaluated: 2025-12-06. Review status: criteria provided, single submitter. Criteria: DASA Assertion Criteria. Collection method: clinical testing. Allele origin: germline.
Comment: NM_000553.6(WRN):c.355+4G>C is a splice-region variant predicted to affect normal RNA splicing. Multiple computational predictions suggest no deleterious effect on the gene or gene product. The variant is present at low frequency in population datasets. Based on the available data, this variant is classified as likely benign.

CeGaT Center for Human Genetics Tuebingen
Classification: Likely benign. Last evaluated: 2025-05-01. Review status: criteria provided, single submitter. Criteria: CeGaT Center For Human Genetics Tuebingen Variant Classification Criteria Version 2. Collection method: clinical testing. Allele origin: germline. Affected: yes. Observed: 1 variant allele.
Comment: WRN: BP4, BS2

Blueprint Genetics
Classification: Likely benign. Last evaluated: 2024-11-25. Review status: criteria provided, single submitter. Criteria: ACMG Guidelines, 2015. Collection method: clinical testing. Allele origin: germline.

Genetic Services Laboratory, University of Chicago
Classification: Likely benign. Last evaluated: 2021-01-07. Review status: criteria provided, single submitter. Criteria: ACMG Guidelines, 2015. Collection method: clinical testing. Allele origin: germline. Affected: no.

Baylor Genetics
Classification: Uncertain significance for Werner syndrome. Last evaluated: 2020-12-04. Review status: criteria provided, single submitter. Criteria: ACMG Guidelines, 2015. Collection method: clinical testing. Allele origin: unknown. Affected: yes. Study: CSER-TexasKidsCanSeq.
Comment: This variant was determined to be of uncertain significance according to ACMG Guidelines, 2015 [PMID:25741868].

GeneDx
Classification: Likely benign. Last evaluated: 2019-11-27. Review status: criteria provided, single submitter. Criteria: GeneDx Variant Classification Process June 2021. Collection method: clinical testing. Allele origin: germline. Affected: yes.

Illumina Laboratory Services, Illumina
Classification: Uncertain significance for Werner syndrome. Last evaluated: 2018-01-13. Review status: criteria provided, single submitter. Criteria: ICSL Variant Classification Criteria 13 December 2019. Collection method: clinical testing. Allele origin: germline.

Eurofins Ntd Llc (ga)
Classification: Uncertain significance. Last evaluated: 2017-12-22. Review status: criteria provided, single submitter. Criteria: EGL Classification Definitions 2015. Collection method: clinical testing. Allele origin: germline. Observed: 2 variant alleles, 2 heterozygotes.

Clinical Genetics DNA and cytogenetics Diagnostics Lab, Erasmus MC, Erasmus Medical Center
Classification: Likely benign. Review status: no assertion criteria provided. Collection method: clinical testing. Allele origin: germline. Affected: yes. Study: VKGL Data-share Consensus. Not counted in ClinVar's aggregate classification.

Diagnostic Laboratory, Department of Genetics, University Medical Center Groningen
Classification: Likely benign. Review status: no assertion criteria provided. Collection method: clinical testing. Allele origin: germline. Affected: yes. Study: VKGL Data-share Consensus. Not counted in ClinVar's aggregate classification.